The following is an entry in ClinVar:

NM_002184.4(IL6ST):c.1586A>C (p.Lys529Thr)

Gene: IL6ST (interleukin 6 cytokine family signal transducer; minus strand). Cytogenetic location: 5q11.2.
Variant type: single nucleotide variant.
Coding change: c.1586A>C on transcript NM_002184.4 (MANE Select); coding-DNA position 1586, A replaced by C.
Protein change: p.Lys529Thr; replaces lysine 529 with threonine.
Molecular consequence: missense variant. On other transcripts: 3 prime UTR variant (1), non-coding transcript variant (2).
Genome position (GRCh38, 1-based): chr5:55,952,042, T>G on the plus strand (A>C on the coding strand, the complement: IL6ST is on the minus strand). VCF-style: chr5-55952042-T-G. GRCh37 (hg19) VCF-style: chr5-55247870-T-G.
Other names: c.1403A>C, p.Lys468Thr (NM_001190981.2); c.1484A>C, p.Lys495Thr (NM_001364275.2); c.1376A>C, p.Lys459Thr (NM_001364276.2); c.719A>C, p.Lys240Thr (NM_001364277.2); c.683A>C, p.Lys228Thr (NM_001364278.2); c.590A>C, p.Lys197Thr (NM_001364279.2); c.*513A>C (NM_175767.3); short protein forms K228T, K197T, K240T, K529T, K468T, K459T, K495T.
Identifiers: ClinVar variation 2824839 (VCV002824839.3), dbSNP rs2533482153, ClinGen allele CA359762308.
Genomic context (GRCh38, chr5:55,952,042, plus strand): 5'-CCATTCTGAACATCAACAGGAAGTTGGTCCCACTCTAAGACAGCTTCGTTTTTCCCTACT[T>G]TTTTTGTCCGAACAGTAGGTCCTTTGGAAGGTGCTGTAACAGAGTGAACACATTTGCTAA-3'
Protein context (NP_002175.2, residues 519-539): PSKGPTVRTK[Lys529Thr]VGKNEAVLEW

ClinVar aggregate classification (germline): Uncertain significance (1 of 4 stars; one submission).

Submission:

Labcorp Genetics (formerly Invitae), Labcorp
Classification: Uncertain significance. Last evaluated: 2022-12-29. Review status: criteria provided, single submitter. Criteria: Invitae Variant Classification Sherloc (09022015). Collection method: clinical testing. Allele origin: germline.
Comment: In summary, the available evidence is currently insufficient to determine the role of this variant in disease. Therefore, it has been classified as a Variant of Uncertain Significance. Algorithms developed to predict the effect of missense changes on protein structure and function are either unavailable or do not agree on the potential impact of this missense change (SIFT: "Deleterious"; PolyPhen-2: "Benign"; Align-GVGD: "Class C0"). This variant has not been reported in the literature in individuals affected with IL6ST-related conditions. This variant is not present in population databases (gnomAD no frequency). This sequence change replaces lysine, which is basic and polar, with threonine, which is neutral and polar, at codon 529 of the IL6ST protein (p.Lys529Thr).